The following is an entry in ClinVar:

ClinVar aggregate classification (germline): Uncertain significance (1 of 4 stars; one submission).

Conditions:
RASopathy. Also called: Noonan spectrum disorder; rasopathies. Identifiers: Orphanet 536391, MedGen C5555857, MONDO:0021060.

Submission:

Labcorp Genetics (formerly Invitae), Labcorp
Classification: Uncertain significance for RASopathy. Last evaluated: 2024-01-31. Review status: criteria provided, single submitter. Criteria: Invitae Variant Classification Sherloc (09022015). Collection method: clinical testing. Allele origin: germline.
Comment: This sequence change replaces threonine, which is neutral and polar, with alanine, which is neutral and non-polar, at codon 183 of the KRAS protein (p.Thr183Ala). This variant is not present in population databases (gnomAD no frequency). This variant has not been reported in the literature in individuals affected with KRAS-related conditions. An algorithm developed to predict the effect of missense changes on protein structure and function (PolyPhen-2) suggests that this variant is likely to be tolerated. In summary, the available evidence is currently insufficient to determine the role of this variant in disease. Therefore, it has been classified as a Variant of Uncertain Significance.

NM_004985.5(KRAS):c.547A>G (p.Thr183Ala)

Gene: KRAS (KRAS proto-oncogene, GTPase; minus strand). Cytogenetic location: 12p12.1.
Variant type: single nucleotide variant.
Coding change: c.547A>G on transcript NM_004985.5 (MANE Select); coding-DNA position 547, A replaced by G.
Protein change: p.Thr183Ala; replaces threonine 183 with alanine.
Molecular consequence: missense variant. On other transcripts: 3 prime UTR variant (2).
Genome position (GRCh38, 1-based): chr12:25,209,815, T>C on the plus strand (A>G on the coding strand, the complement: KRAS is on the minus strand). VCF-style: chr12-25209815-T-C. GRCh37 (hg19) VCF-style: chr12-25362749-T-C.
Other names: c.*101A>G (NM_001369786.1, NM_033360.4); c.547A>G, p.Thr183Ala (NM_001369787.1); short protein forms T183A.
Identifiers: ClinVar variation 2714298 (VCV002714298.3), dbSNP rs2548909726, ClinGen allele CA384148321.